The following is an entry in ClinVar:

NM_201525.4(ADGRG1):c.1842C>T (p.Gly614=)

Gene: ADGRG1 (adhesion G protein-coupled receptor G1; plus strand). Cytogenetic location: 16q21.
Variant type: single nucleotide variant.
Coding change: c.1842C>T on transcript NM_201525.4 (MANE Select); coding-DNA position 1842, C replaced by T.
Protein change: p.Gly614=; no amino-acid change (glycine 614 retained).
Molecular consequence: synonymous variant.
Genome position (GRCh38, 1-based): chr16:57,661,874, C>T. VCF-style: chr16-57661874-C-T. GRCh37 (hg19) VCF-style: chr16-57695786-C-T.
Other names: c.1842C>T, p.Gly614= (NM_001145770.3, NM_001145772.3, NM_001145774.3 and 7 more transcripts); c.1860C>T, p.Gly620= (NM_001145771.3, NM_001370428.1, NM_001370429.1 and 4 more transcripts); c.1857C>T, p.Gly619= (NM_001145773.3, NM_001370433.1, NM_001370434.1); c.1350C>T, p.Gly450= (NM_001290142.2); c.1335C>T, p.Gly445= (NM_001290143.2); c.1317C>T, p.Gly439= (NM_001290144.2, NM_001370451.1, NM_001370453.1 and 1 more transcripts); c.1839C>T, p.Gly613= (NM_001370441.1); c.1686C>T, p.Gly562= (NM_001370442.1).
Identifiers: ClinVar variation 377932 (VCV000377932.36), dbSNP rs574553979, ClinGen allele CA8078874.

ClinVar aggregate classification (germline): Benign/Likely benign. Review status: criteria provided, multiple submitters, no conflicts (2 of 4 stars). 4 submissions from 4 submitters: Benign (1); Likely benign (3). Last evaluated 2026-01-09.

Allele frequency attached by ClinVar (database versions not stated): gnomAD exomes 0.00006 and 0.00020; gnomAD 0.00008 and 0.00011; TOPMed 0.00010; ExAC 0.00022; 1000 Genomes Project 30x 0.00047; 1000 Genomes Project 0.00060.
gnomAD v4.1: 114 of 1,614,256 alleles (0.0071%); highest among the groups gnomAD compares: East Asian, 0.24%; no homozygotes.

Submissions (4):

Labcorp Genetics (formerly Invitae), Labcorp
Classification: Benign. Last evaluated: 2026-01-09. Review status: criteria provided, single submitter. Criteria: Invitae Variant Classification Sherloc (09022015). Collection method: clinical testing. Allele origin: germline.

Blueprint Genetics
Classification: Likely benign. Last evaluated: 2024-06-28. Review status: criteria provided, single submitter. Criteria: ACMG Guidelines, 2015. Collection method: clinical testing. Allele origin: germline.

CeGaT Center for Human Genetics Tuebingen
Classification: Likely benign. Last evaluated: 2022-03-01. Review status: criteria provided, single submitter. Criteria: CeGaT Center For Human Genetics Tuebingen Variant Classification Criteria Version 2. Collection method: clinical testing. Allele origin: germline. Affected: yes. Observed: 1 variant allele.
Comment: ADGRG1: BP4, BP7

GeneDx
Classification: Likely benign. Last evaluated: 2015-11-25. Review status: criteria provided, single submitter. Criteria: GeneDx Variant Classification (06012015). Collection method: clinical testing. Allele origin: germline. Affected: yes.
Comment: This variant is considered likely benign or benign based on one or more of the following criteria: it is a conservative change, it occurs at a poorly conserved position in the protein, it is predicted to be benign by multiple in silico algorithms, and/or has population frequency not consistent with disease.